The following is an entry in ClinVar:

NM_000240.4(MAOA):c.647A>G (p.Glu216Gly)

Gene: MAOA (monoamine oxidase A; plus strand). Cytogenetic location: Xp11.3.
Variant type: single nucleotide variant.
Coding change: c.647A>G on transcript NM_000240.4 (MANE Select); coding-DNA position 647, A replaced by G.
Protein change: p.Glu216Gly; replaces glutamic acid 216 with glycine.
Molecular consequence: missense variant.
Genome position (GRCh38, 1-based): chrX:43,731,242, A>G. VCF-style: chrX-43731242-A-G. GRCh37 (hg19) VCF-style: chrX-43590489-A-G.
Other names: c.248A>G, p.Glu83Gly (NM_001270458.2); short protein forms E216G, E83G.
Identifiers: ClinVar variation 1707988 (VCV001707988.2), dbSNP rs2519160033, ClinGen allele CA413006558.

ClinVar aggregate classification (germline): Uncertain significance (1 of 4 stars; one submission).

Submission:

GeneDx
Classification: Uncertain significance. Last evaluated: 2022-03-28. Review status: criteria provided, single submitter. Criteria: GeneDx Variant Classification Process June 2021. Collection method: clinical testing. Allele origin: germline. Affected: yes.
Comment: Not observed at significant frequency in large population cohorts (gnomAD); In silico analysis supports that this missense variant has a deleterious effect on protein structure/function; Has not been previously published as pathogenic or benign to our knowledge